The following is an entry in ClinVar:

NM_001396959.1(TBC1D1):c.363C>T (p.Asp121=)

Gene: TBC1D1 (TBC1 domain family member 1; plus strand). Cytogenetic location: 4p14.
Variant type: single nucleotide variant.
Coding change: c.363C>T on transcript NM_001396959.1 (MANE Select); coding-DNA position 363, C replaced by T.
Protein change: p.Asp121=; no amino-acid change (aspartic acid 121 retained).
Molecular consequence: synonymous variant.
Genome position (GRCh38, 1-based): chr4:37,902,458, C>T. VCF-style: chr4-37902458-C-T. GRCh37 (hg19) VCF-style: chr4-37904079-C-T.
Other names: c.363C>T, p.Asp121= (NM_001253912.2, NM_015173.4).
Identifiers: ClinVar variation 711939 (VCV000711939.29), dbSNP rs145529203, ClinGen allele CA2887243.
Genomic context (GRCh38, chr4:37,902,458, plus strand): 5'-TCACAAACTGATTCACAACAGTCATGACCCAAGTTACTTTGCTTGTCTGATTAAGGAAGA[C>T]GCTGTCCACCGGCAGAGTATCTGCTATGTGTTCAAAGCCGATGATCAAACAAAAGTAAGT-3'
Protein context (NP_001383888.1, residues 111-131): PSYFACLIKE[Asp121=]AVHRQSICYV

ClinVar aggregate classification (germline): Likely benign. Review status: criteria provided, multiple submitters, no conflicts (2 of 4 stars). 2 submissions from 2 submitters: Likely benign (2). Last evaluated 2023-11-01.

Allele frequency attached by ClinVar (database versions not stated): 1000 Genomes Project 30x 0.00016; 1000 Genomes Project 0.00020; ESP Exome Variant Server 0.00092; ExAC 0.00105; gnomAD 0.00113 and 0.00114; gnomAD exomes 0.00118 and 0.00178; TOPMed 0.00126.
gnomAD v4.1: 2,768 of 1,613,840 alleles (0.17%); highest among the groups gnomAD compares: Non-Finnish European, 0.21%; 4 homozygotes.

Submissions (2):

CeGaT Center for Human Genetics Tuebingen
Classification: Likely benign. Last evaluated: 2023-11-01. Review status: criteria provided, single submitter. Criteria: CeGaT Center For Human Genetics Tuebingen Variant Classification Criteria Version 2. Collection method: clinical testing. Allele origin: germline. Affected: yes. Observed: 2 variant alleles.
Comment: TBC1D1: BP4, BP7

Labcorp Genetics (formerly Invitae), Labcorp
Classification: Likely benign. Last evaluated: 2019-12-31. Review status: criteria provided, single submitter. Criteria: Invitae Variant Classification Sherloc (09022015). Collection method: clinical testing. Allele origin: germline.